The following is an entry in ClinVar:

NM_006908.5(RAC1):c.511G>A (p.Glu171Lys)

Gene: RAC1 (Rac family small GTPase 1; plus strand). Cytogenetic location: 7p22.1.
Variant type: single nucleotide variant.
Coding change: c.511G>A on transcript NM_006908.5 (MANE Select); coding-DNA position 511, G replaced by A.
Protein change: p.Glu171Lys; replaces glutamic acid 171 with lysine.
Molecular consequence: missense variant.
Genome position (GRCh38, 1-based): chr7:6,402,378, G>A. VCF-style: chr7-6402378-G-A. GRCh37 (hg19) VCF-style: chr7-6442009-G-A.
Other names: c.568G>A, p.Glu190Lys (NM_018890.4); short protein forms E171K, E190K.
Identifiers: ClinVar variation 3372446 (VCV003372446.1).
Genomic context (GRCh38, chr7:6,402,378, plus strand): 5'-GCTGTAAAATACCTGGAGTGCTCGGCGCTCACACAGCGAGGCCTCAAGACAGTGTTTGAC[G>A]AAGCGATCCGAGCAGTCCTCTGCCCGCCTCCCGTGAAGAAGAGGAAGAGAAAATGCCTGC-3'
Protein context (NP_008839.2, residues 161-181): TQRGLKTVFD[Glu171Lys]AIRAVLCPPP

ClinVar aggregate classification (germline): Uncertain significance (1 of 4 stars; one submission).

Submission:

GeneDx
Classification: Uncertain significance. Last evaluated: 2024-04-15. Review status: criteria provided, single submitter. Criteria: GeneDx Variant Classification Process June 2021. Collection method: clinical testing. Allele origin: germline. Affected: yes.
Comment: Not observed at significant frequency in large population cohorts (gnomAD); In silico analysis supports that this missense variant has a deleterious effect on protein structure/function; Has not been previously published as pathogenic or benign to our knowledge